The following is an entry in ClinVar:

ClinVar aggregate classification (germline): Uncertain significance. Review status: criteria provided, multiple submitters, no conflicts (2 of 4 stars). 2 submissions from 2 submitters: Uncertain significance (2). Last evaluated 2024-12-26.

Conditions:
DK1-congenital disorder of glycosylation. Also called: DOLK-congenital disorder of glycosylation; Carbohydrate deficient glycoprotein syndrome type 1m; DK1-CDG; CONGENITAL DISORDER OF GLYCOSYLATION, TYPE Im; CDG Im; DK1 DEFICIENCY. Identifiers: Orphanet 91131, MedGen C1835849, MONDO:0012556, OMIM 610768.

Allele frequency attached by ClinVar (database versions not stated): gnomAD 0.00001; gnomAD exomes 0.00001; TOPMed 0.00001.
gnomAD v4.1: 21 of 1,614,076 alleles (0.0013%); highest among the groups gnomAD compares: Admixed American, 0.005%; no homozygotes.

Submissions (2):

GeneDx
Classification: Uncertain significance. Last evaluated: 2024-12-26. Review status: criteria provided, single submitter. Criteria: GeneDx Variant Classification Process June 2021. Collection method: clinical testing. Allele origin: germline. Affected: yes.
Comment: Not observed at significant frequency in large population cohorts (gnomAD); In silico analysis supports that this missense variant has a deleterious effect on protein structure/function; This variant is associated with the following publications: (PMID: 34956305, 30653653, 32250540)

Labcorp Genetics (formerly Invitae), Labcorp
Classification: Uncertain significance for DK1-congenital disorder of glycosylation. Last evaluated: 2022-05-01. Review status: criteria provided, single submitter. Criteria: Invitae Variant Classification Sherloc (09022015). Collection method: clinical testing. Allele origin: germline.
Comment: In summary, the available evidence is currently insufficient to determine the role of this variant in disease. Therefore, it has been classified as a Variant of Uncertain Significance. Algorithms developed to predict the effect of missense changes on protein structure and function (SIFT, PolyPhen-2, Align-GVGD) all suggest that this variant is likely to be disruptive. This sequence change replaces glycine, which is neutral and non-polar, with valine, which is neutral and non-polar, at codon 458 of the DOLK protein (p.Gly458Val). This variant is present in population databases (no rsID available, gnomAD 0.009%). This missense change has been observed in individual(s) with clinical features of DOLK-CDG (PMID: 30653653, 32250540). ClinVar contains an entry for this variant (Variation ID: 569018).

Literature cited by the submitters: PubMed 30653653 (cited by Labcorp Genetics (formerly Invitae), Labcorp); PubMed 32250540 (cited by Labcorp Genetics (formerly Invitae), Labcorp).

NM_014908.4(DOLK):c.1373G>T (p.Gly458Val)

Gene: DOLK (dolichol kinase; minus strand). Cytogenetic location: 9q34.11.
Variant type: single nucleotide variant.
Coding change: c.1373G>T on transcript NM_014908.4 (MANE Select); coding-DNA position 1373, G replaced by T.
Protein change: p.Gly458Val; replaces glycine 458 with valine.
Molecular consequence: missense variant.
Genome position (GRCh38, 1-based): chr9:128,945,931, C>A on the plus strand (G>T on the coding strand, the complement: DOLK is on the minus strand). VCF-style: chr9-128945931-C-A. GRCh37 (hg19) VCF-style: chr9-131708210-C-A.
Other names: short protein forms G458V.
Identifiers: ClinVar variation 569018 (VCV000569018.11), dbSNP rs999023298, ClinGen allele CA200444376.